The following is an entry in ClinVar:

NM_198428.3(BBS9):c.1767T>C (p.Thr589=)

Gene: BBS9 (Bardet-Biedl syndrome 9; plus strand). Cytogenetic location: 7p14.3.
Variant type: single nucleotide variant.
Coding change: c.1767T>C on transcript NM_198428.3 (MANE Select); coding-DNA position 1767, T replaced by C.
Protein change: p.Thr589=; no amino-acid change (threonine 589 retained).
Molecular consequence: synonymous variant. On other transcripts: non-coding transcript variant (3).
Genome position (GRCh38, 1-based): chr7:33,367,840, T>C. VCF-style: chr7-33367840-T-C. GRCh37 (hg19) VCF-style: chr7-33407452-T-C.
Other names: c.1662T>C, p.Thr554= (NM_001033604.2); c.1752T>C, p.Thr584= (NM_001033605.2); c.1767T>C, p.Thr589= (NM_001348036.1, NM_001348041.4, NM_001348043.3 and 1 more transcripts); c.1401T>C, p.Thr467= (NM_001348037.3, NM_001348045.3, NM_001348046.3); c.1494T>C, p.Thr498= (NM_001348038.3); c.1389T>C, p.Thr463= (NM_001348039.3); c.1647T>C, p.Thr549= (NM_001348040.3, NM_014451.4); c.1632T>C, p.Thr544= (NM_001348042.3); and 1 more.
Identifiers: ClinVar variation 215976 (VCV000215976.33), dbSNP rs534722075, ClinGen allele CA338337.
Genomic context (GRCh38, chr7:33,367,840, plus strand): 5'-GTCAGATGATGATCAGGTGAATGTAATGGGTTTTCACTTCTTAGGAGGTGCTCGAATTAC[T>C]GTTCTTGCTTCCAAAACTTCTCGTAAGTAAAACCATGTTATCATTGCTTTTTAAATTTTT-3'
Protein context (NP_940820.1, residues 579-599): GFHFLGGARI[Thr589=]VLASKTSQRY

ClinVar aggregate classification (germline): Likely benign. Review status: criteria provided, multiple submitters, no conflicts (2 of 4 stars). 3 submissions from 3 submitters: Likely benign (3). Last evaluated 2025-12-22.

Conditions:
Bardet-Biedl syndrome (BBS). Identifiers: Orphanet 110, MedGen C0752166, MONDO:0015229.

Allele frequency attached by ClinVar (database versions not stated): gnomAD below 0.00001 and 0.00013; TOPMed 0.00003; gnomAD exomes 0.00022 and 0.00042; ExAC 0.00045; 1000 Genomes Project 0.00060; 1000 Genomes Project 30x 0.00062.
gnomAD v4.1: 340 of 1,613,888 alleles (0.021%); highest among the groups gnomAD compares: South Asian, 0.35%; 3 homozygotes.

Submissions (3):

Labcorp Genetics (formerly Invitae), Labcorp
Classification: Likely benign for Bardet-Biedl syndrome. Last evaluated: 2025-12-22. Review status: criteria provided, single submitter. Criteria: Invitae Variant Classification Sherloc (09022015). Collection method: clinical testing. Allele origin: germline.

CeGaT Center for Human Genetics Tuebingen
Classification: Likely benign. Last evaluated: 2024-04-01. Review status: criteria provided, single submitter. Criteria: CeGaT Center For Human Genetics Tuebingen Variant Classification Criteria Version 2. Collection method: clinical testing. Allele origin: germline. Affected: yes. Observed: 1 variant allele.
Comment: BBS9: BP4, BP7

Blueprint Genetics
Classification: Likely benign. Last evaluated: 2023-12-21. Review status: criteria provided, single submitter. Criteria: ACMG Guidelines, 2015. Collection method: clinical testing. Allele origin: germline.